The following is an entry in ClinVar:

ClinVar aggregate classification (germline): Pathogenic (1 of 4 stars; one submission).

Allele frequency attached by ClinVar (database versions not stated): gnomAD 0.00001.
gnomAD v4.1: 5 of 1,613,944 alleles (0.00031%); highest among the groups gnomAD compares: Non-Finnish European, 0.00034%; no homozygotes.

Submission:

Labcorp Genetics (formerly Invitae), Labcorp
Classification: Pathogenic. Last evaluated: 2023-02-01. Review status: criteria provided, single submitter. Criteria: Invitae Variant Classification Sherloc (09022015). Collection method: clinical testing. Allele origin: germline.
Comment: For these reasons, this variant has been classified as Pathogenic. This variant has not been reported in the literature in individuals affected with TNFRSF11B-related conditions. This variant is present in population databases (no rsID available, gnomAD 0.007%). This sequence change creates a premature translational stop signal (p.Arg138*) in the TNFRSF11B gene. It is expected to result in an absent or disrupted protein product. Loss-of-function variants in TNFRSF11B are known to be pathogenic (PMID: 9647741, 26762549).

Literature cited by the submitters: PubMed 9647741; PubMed 26762549.

NM_002546.4(TNFRSF11B):c.412C>T (p.Arg138Ter)

Gene: TNFRSF11B (TNF receptor superfamily member 11b; minus strand). Cytogenetic location: 8q24.12.
Variant type: single nucleotide variant.
Coding change: c.412C>T on transcript NM_002546.4 (MANE Select); coding-DNA position 412, C replaced by T.
Protein change: p.Arg138Ter; replaces arginine 138 with a stop codon.
Molecular consequence: nonsense.
Genome position (GRCh38, 1-based): chr8:118,928,918, G>A on the plus strand (C>T on the coding strand, the complement: TNFRSF11B is on the minus strand). VCF-style: chr8-118928918-G-A. GRCh37 (hg19) VCF-style: chr8-119941157-G-A.
Other names: short protein forms R138*.
Identifiers: ClinVar variation 2870826 (VCV002870826.3), dbSNP rs1201638030, ClinGen allele CA371920020.